The following is an entry in ClinVar:

NM_007294.4(BRCA1):c.3479A>G (p.Lys1160Arg)

Genes: BRCA1 (BRCA1 DNA repair associated; minus strand), LOC126862571 (BRD4-independent group 4 enhancer GRCh37_chr17:41243136-41244335; plus strand). Cytogenetic location: 17q21.31.
Variant type: single nucleotide variant.
Coding change: c.3479A>G on transcript NM_007294.4 (MANE Select); coding-DNA position 3479, A replaced by G.
Protein change: p.Lys1160Arg; replaces lysine 1160 with arginine.
Molecular consequence: missense variant. On other transcripts: intron variant (135).
Genome position (GRCh38, 1-based): chr17:43,092,052, T>C on the plus strand (A>G on the coding strand, the complement: BRCA1 is on the minus strand). VCF-style: chr17-43092052-T-C. GRCh37 (hg19) VCF-style: chr17-41244069-T-C.
Other names: c.584-1020A>G (NM_001408475.1); c.710-1020A>G (NM_001408412.1, NM_001408409.1, NM_001408414.1 and 2 more transcripts); c.452-1020A>G (NM_001408509.1, NM_001408508.1); c.575-1020A>G (NM_001408491.1, NM_001408493.1, NM_001408490.1); c.461-1020A>G (NM_001408506.1, NM_001408507.1); c.578-1020A>G (NM_001408481.1, NM_001408480.1, NM_001408492.1 and 9 more transcripts); c.779-1020A>G (NM_001408408.1); c.662-1020A>G (NM_001408446.1, NM_001408435.1, NM_001408448.1 and 6 more transcripts); and 41 more; short protein forms K1032R, K1033R, K1048R, K1049R, K1071R, K1072R, K1089R, K1090R.
Identifiers: ClinVar variation 4800835 (VCV004800835.2).
Genomic context (GRCh38, chr17:43,092,052, plus strand): 5'-CTTTTGCTAAAAACAGCAGAACTTTCCTTAATGTCATTTTCAGCAAAACTAGTATCTTCC[T>C]TTATTTCACCATCATCTAACAGGTCATCAGGTGTCTCAGAACAAACCTGAGATGCATGAC-3'
Protein context (NP_009225.1, residues 1150-1170): PDDLLDDGEI[Lys1160Arg]EDTSFAENDI

ClinVar aggregate classification (germline): Uncertain significance. Review status: criteria provided, multiple submitters, no conflicts (2 of 4 stars). 2 submissions from 2 submitters: Uncertain significance (2). Last evaluated 2026-01-06.

Conditions:
Hereditary breast ovarian cancer syndrome. Also called: Hereditary breast and/or ovarian cancer syndrome; Hereditary breast and ovarian cancer syndrome (HBOC); Hereditary breast and ovarian cancer; BRCA1- and BRCA2-Associated Hereditary Breast and Ovarian Cancer; Hereditary breast and ovarian cancer syndrome; Breast and ovarian cancer. Identifiers: Orphanet 145, MedGen C0677776, MeSH D061325, MONDO:0003582. Disease mechanism: loss of function.
Hereditary cancer-predisposing syndrome. Also called: Neoplastic Syndromes, Hereditary; Hereditary neoplastic syndrome; Tumor predisposition; Hereditary Cancer Syndrome. Identifiers: Orphanet 140162, MedGen C0027672, MeSH D009386, MONDO:0015356.

Submissions (2):

Ambry Genetics
Classification: Uncertain significance for Hereditary cancer-predisposing syndrome. Last evaluated: 2026-01-06. Review status: criteria provided, single submitter. Criteria: Ambry Variant Classification Scheme 2023. Collection method: clinical testing. Allele origin: germline.
Comment: The p.K1160R variant (also known as c.3479A>G), located in coding exon 9 of the BRCA1 gene, results from an A to G substitution at nucleotide position 3479. The lysine at codon 1160 is replaced by arginine, an amino acid with highly similar properties. This amino acid position is not well conserved in available vertebrate species. In addition, the in silico prediction for this alteration is inconclusive. Based on the available evidence, the clinical significance of this variant remains unclear.

Labcorp Genetics (formerly Invitae), Labcorp
Classification: Uncertain significance for Hereditary breast ovarian cancer syndrome. Last evaluated: 2025-03-17. Review status: criteria provided, single submitter. Criteria: Invitae Variant Classification Sherloc (09022015). Collection method: clinical testing. Allele origin: germline.
Comment: This sequence change replaces lysine, which is basic and polar, with arginine, which is basic and polar, at codon 1160 of the BRCA1 protein (p.Lys1160Arg). This variant is not present in population databases (gnomAD no frequency). This variant has not been reported in the literature in individuals affected with BRCA1-related conditions. Invitae Evidence Modeling of protein sequence and biophysical properties (such as structural, functional, and spatial information, amino acid conservation, physicochemical variation, residue mobility, and thermodynamic stability) indicates that this missense variant is not expected to disrupt BRCA1 protein function with a negative predictive value of 80%. In summary, the available evidence is currently insufficient to determine the role of this variant in disease. Therefore, it has been classified as a Variant of Uncertain Significance.